The following is an entry in ClinVar:

ClinVar aggregate classification (germline): Uncertain significance (1 of 4 stars; one submission).

Conditions:
GNAS-related disorder. Identifiers: MedGen CN380105.

Submission:

PreventionGenetics, part of Exact Sciences
Classification: Uncertain significance for GNAS-related condition. Last evaluated: 2025-10-15. Review status: criteria provided, single submitter. Criteria: ACMG Guidelines, 2015. Collection method: clinical testing. Allele origin: germline.
Comment: The GNAS c.695G>C variant is predicted to result in the amino acid substitution p.Gly232Ala. To our knowledge, this variant has not been reported in the literature or in a large population database (gnomAD), indicating this variant is rare. At this time, the clinical significance of this variant is uncertain due to the absence of conclusive functional and genetic evidence.

NM_080425.4(GNAS):c.695G>C (p.Gly232Ala)

Gene: GNAS (GNAS complex locus; plus strand). Cytogenetic location: 20q13.32.
Variant type: single nucleotide variant.
Coding change: c.695G>C on transcript NM_080425.4 (MANE Plus Clinical); coding-DNA position 695, G replaced by C.
Protein change: p.Gly232Ala; replaces glycine 232 with alanine.
Molecular consequence: missense variant. On other transcripts: intron variant (3).
Genome position (GRCh38, 1-based): chr20:58,853,960, G>C. VCF-style: chr20-58853960-G-C. GRCh37 (hg19) VCF-style: chr20-57429015-G-C.
Other names: c.508G>C, p.Asp170His (NM_001077490.3, NM_001309883.1); c.695G>C, p.Gly232Ala (NM_001410913.1); c.*42+13074G>C (NM_016592.5); c.43+13074G>C (NM_001410912.1); c.-39+12085G>C (NM_001309861.2); short protein forms D170H, G232A.
Identifiers: ClinVar variation 4991904 (VCV004991904.1).